The following is an entry in ClinVar:

NM_001283009.2(RTEL1):c.739G>A (p.Val247Met)

Genes: RTEL1 (regulator of telomere elongation helicase 1; plus strand), RTEL1-TNFRSF6B (RTEL1-TNFRSF6B readthrough (NMD candidate); plus strand). Cytogenetic location: 20q13.33.
Variant type: single nucleotide variant.
Coding change: c.739G>A on transcript NM_001283009.2 (MANE Select); coding-DNA position 739, G replaced by A.
Protein change: p.Val247Met; replaces valine 247 with methionine.
Molecular consequence: missense variant. On other transcripts: non-coding transcript variant (1).
Genome position (GRCh38, 1-based): chr20:63,672,595, G>A. VCF-style: chr20-63672595-G-A. GRCh37 (hg19) VCF-style: chr20-62303948-G-A.
Other names: c.70G>A, p.Val24Met (NM_001283010.1); c.739G>A, p.Val247Met (NM_016434.4); c.811G>A, p.Val271Met (NM_032957.5); short protein forms V247M, V24M, V271M.
Identifiers: ClinVar variation 944426 (VCV000944426.8), dbSNP rs1194320122, ClinGen allele CA409672040.

ClinVar aggregate classification (germline): Uncertain significance. Review status: criteria provided, multiple submitters, no conflicts (2 of 4 stars). 2 submissions from 2 submitters: Uncertain significance (2). Last evaluated 2025-01-27.

Conditions:
Pulmonary fibrosis and/or bone marrow failure, Telomere-related, 3. Also called: PULMONARY FIBROSIS AND/OR BONE MARROW FAILURE SYNDROME, TELOMERE-RELATED, 3. Identifiers: Orphanet 2032, MedGen C4225346, MONDO:0014613, OMIM 616373.
Dyskeratosis congenita, autosomal recessive 5 (DKCB5). Identifiers: MedGen C3554656, MONDO:0014076, OMIM 615190.
Inborn genetic diseases. Identifiers: MedGen C0950123, MeSH D030342.

Allele frequency attached by ClinVar (database versions not stated): TOPMed below 0.00001; gnomAD 0.00001; gnomAD exomes 0.00001 and 0.00002.
gnomAD v4.1: 5 of 1,587,294 alleles (0.00032%); highest among the groups gnomAD compares: East Asian, 0.0023%; no homozygotes.

Submissions (2):

Ambry Genetics
Classification: Uncertain significance for Inborn genetic diseases. Last evaluated: 2025-01-27. Review status: criteria provided, single submitter. Criteria: Ambry Variant Classification Scheme 2023. Collection method: clinical testing. Allele origin: germline.
Comment: The p.V247M variant (also known as c.739G>A), located in coding exon 8 of the RTEL1 gene, results from a G to A substitution at nucleotide position 739. The valine at codon 247 is replaced by methionine, an amino acid with highly similar properties. This amino acid position is conserved. In addition, this alteration is predicted to be deleterious by in silico analysis. Based on the available evidence, the clinical significance of this variant remains unclear.

Labcorp Genetics (formerly Invitae), Labcorp
Classification: Uncertain significance for Dyskeratosis congenita, autosomal recessive 5; Pulmonary fibrosis and/or bone marrow failure, Telomere-related, 3. Last evaluated: 2022-10-31. Review status: criteria provided, single submitter. Criteria: Invitae Variant Classification Sherloc (09022015). Collection method: clinical testing. Allele origin: germline.
Comment: This sequence change replaces valine, which is neutral and non-polar, with methionine, which is neutral and non-polar, at codon 247 of the RTEL1 protein (p.Val247Met). The frequency data for this variant in the population databases is considered unreliable, as metrics indicate poor data quality at this position in the gnomAD database. This variant has not been reported in the literature in individuals affected with RTEL1-related conditions. ClinVar contains an entry for this variant (Variation ID: 944426). Algorithms developed to predict the effect of missense changes on protein structure and function are either unavailable or do not agree on the potential impact of this missense change (SIFT: "Deleterious"; PolyPhen-2: "Probably Damaging"; Align-GVGD: "Class C0"). In summary, the available evidence is currently insufficient to determine the role of this variant in disease. Therefore, it has been classified as a Variant of Uncertain Significance.